The following is an entry in ClinVar:

NM_001369.3(DNAH5):c.8032C>T (p.Gln2678Ter)

Gene: DNAH5 (dynein axonemal heavy chain 5; minus strand). Cytogenetic location: 5p15.2.
Variant type: single nucleotide variant.
Coding change: c.8032C>T on transcript NM_001369.3 (MANE Select); coding-DNA position 8032, C replaced by T.
Protein change: p.Gln2678Ter; replaces glutamine 2678 with a stop codon.
Molecular consequence: nonsense.
Genome position (GRCh38, 1-based): chr5:13,793,707, G>A on the plus strand (C>T on the coding strand, the complement: DNAH5 is on the minus strand). VCF-style: chr5-13793707-G-A. GRCh37 (hg19) VCF-style: chr5-13793816-G-A.
Other names: c.8032C>T (NM_001369.2); short protein forms Q2678*.
Identifiers: ClinVar variation 1335571 (VCV001335571.44), dbSNP rs988596344, ClinGen allele CA113961993.
Genomic context (GRCh38, chr5:13,793,707, plus strand): 5'-CGATGCTGGTGAACTCCCCAGGCTTCTCTAGATTATAGAATCCATTTTGTTCCATCAGCT[G>A]TCGCACTATCTCATTCGTAACCTACAAAAGACAACTTTCAGAATTAAAGCATCATTCCTT-3'

ClinVar aggregate classification (germline): Pathogenic/Likely pathogenic. Review status: criteria provided, multiple submitters, no conflicts (2 of 4 stars). 4 submissions from 4 submitters: Pathogenic (2); Likely pathogenic (2). Last evaluated 2025-10-05.

Conditions:
Primary ciliary dyskinesia. Also called: Ciliary dyskinesia. Identifiers: Orphanet 244, MedGen C0008780, MONDO:0016575, HP:0012265.
Primary ciliary dyskinesia 3. Identifiers: Orphanet 244, MedGen C1837618, MONDO:0012085, OMIM 608644.

Allele frequency attached by ClinVar (database versions not stated): gnomAD exomes below 0.00001; TOPMed 0.00002.
gnomAD v4.1: 4 of 1,614,052 alleles (0.00025%); highest among the groups gnomAD compares: Non-Finnish European, 0.00025%; no homozygotes.

Submissions (4):

Natera, Inc.
Classification: Likely pathogenic for Primary ciliary dyskinesia. Last evaluated: 2025-10-05. Review status: criteria provided, single submitter. Criteria: Natera Variant Classification Schema (03/2026). Collection method: clinical testing. Allele origin: germline.
Comment: The c.8032C>T variant in DNAH5 is a nonsense variant predicted to introduce a stop codon at amino acid 2678. This variant is expected to result in nonsense mediated decay, truncation, or a dysfunctional protein product. This variant is rare in the general population with a frequency below the threshold expected for the associated phenotype(s). Given the available evidence, this variant is classified as Likely Pathogenic.

Labcorp Genetics (formerly Invitae), Labcorp
Classification: Pathogenic for Primary ciliary dyskinesia. Last evaluated: 2025-01-19. Review status: criteria provided, single submitter. Criteria: Invitae Variant Classification Sherloc (09022015). Collection method: clinical testing. Allele origin: germline.
Comment: This sequence change creates a premature translational stop signal (p.Gln2678*) in the DNAH5 gene. It is expected to result in an absent or disrupted protein product. Loss-of-function variants in DNAH5 are known to be pathogenic (PMID: 11788826, 16627867). This variant is not present in population databases (gnomAD no frequency). This variant has not been reported in the literature in individuals affected with DNAH5-related conditions. ClinVar contains an entry for this variant (Variation ID: 1335571). For these reasons, this variant has been classified as Pathogenic.

Fulgent Genetics
Classification: Likely pathogenic for Primary ciliary dyskinesia 3. Last evaluated: 2024-06-19. Review status: criteria provided, single submitter. Criteria: ACMG Guidelines, 2015. Collection method: clinical testing. Allele origin: germline.

CeGaT Center for Human Genetics Tuebingen
Classification: Pathogenic. Last evaluated: 2021-10-01. Review status: criteria provided, single submitter. Criteria: CeGaT Center For Human Genetics Tuebingen Variant Classification Criteria Version 2. Collection method: clinical testing. Allele origin: germline. Affected: yes. Observed: 1 variant allele.

Literature cited by the submitters: PubMed 11788826 (cited by Labcorp Genetics (formerly Invitae), Labcorp); PubMed 16627867 (cited by Labcorp Genetics (formerly Invitae), Labcorp).